The following is an entry in ClinVar:

ClinVar aggregate classification (germline): Uncertain significance (1 of 4 stars; one submission).

Conditions:
Spermatogenic failure 9 (SPGF9). Also called: GLOBOZOOSPERMIA, COMPLETE; GLOBOZOOSPERMIA, TOTAL. Identifiers: Orphanet 171709, MedGen C3151407, MONDO:0013505, OMIM 613958.

gnomAD v4.1: 1 of 1,596,762 alleles (0.000063%); highest among the groups gnomAD compares: East Asian, 0.0023%; no homozygotes.

Submission:

Juno Genomics, Hangzhou Juno Genomics, Inc
Classification: Uncertain significance for Spermatogenic failure 9. Review status: criteria provided, single submitter. Criteria: ACMG Guidelines, 2015. Collection method: clinical testing. Allele origin: germline. Affected: yes.
Comment: Absent from controls (or at extremely low frequency if recessive) in Genome Aggregation Database.;For recessive disorders, detected in trans with a pathogenic variant.;Patient's phenotype or family history is highly specific for a disease with a single genetic etiology.

NM_173812.5(DPY19L2):c.368A>G (p.His123Arg)

Gene: DPY19L2 (dpy-19 like 2; minus strand). Cytogenetic location: 12q14.2.
Variant type: single nucleotide variant.
Coding change: c.368A>G on transcript NM_173812.5 (MANE Select); coding-DNA position 368, A replaced by G.
Protein change: p.His123Arg; replaces histidine 123 with arginine.
Molecular consequence: missense variant.
Genome position (GRCh38, 1-based): chr12:63,663,840, T>C on the plus strand (A>G on the coding strand, the complement: DPY19L2 is on the minus strand). VCF-style: chr12-63663840-T-C. GRCh37 (hg19) VCF-style: chr12-64057620-T-C.
Other names: short protein forms H123R.
Identifiers: ClinVar variation 5019154 (VCV005019154.1).